The following is an entry in ClinVar:

ClinVar aggregate classification (germline): Uncertain significance. Review status: criteria provided, multiple submitters, no conflicts (2 of 4 stars). 3 submissions from 3 submitters: Uncertain significance (2). 1 of the submissions does not count toward it. Last evaluated 2024-09-21.

Conditions:
PCARE-related disorder. Also called: PCARE-related condition.

Allele frequency attached by ClinVar (database versions not stated): gnomAD exomes 0.00003 and 0.00004; TOPMed 0.00004; ExAC 0.00005; ESP Exome Variant Server 0.00016.
gnomAD v4.1: 45 of 1,614,010 alleles (0.0028%); highest among the groups gnomAD compares: Non-Finnish European, 0.0036%; no homozygotes.

Submissions (3):

Blueprint Genetics
Classification: Uncertain significance. Last evaluated: 2024-09-21. Review status: criteria provided, single submitter. Criteria: ACMG Guidelines, 2015. Collection method: clinical testing. Allele origin: germline.

Labcorp Genetics (formerly Invitae), Labcorp
Classification: Uncertain significance. Last evaluated: 2022-03-10. Review status: criteria provided, single submitter. Criteria: Invitae Variant Classification Sherloc (09022015). Collection method: clinical testing. Allele origin: germline.
Comment: This sequence change replaces alanine, which is neutral and non-polar, with glycine, which is neutral and non-polar, at codon 374 of the PCARE protein (p.Ala374Gly). The frequency data for this variant in the population databases is considered unreliable, as metrics indicate poor data quality at this position in the gnomAD database. This variant has not been reported in the literature in individuals affected with PCARE-related conditions. ClinVar contains an entry for this variant (Variation ID: 1019604). Algorithms developed to predict the effect of missense changes on protein structure and function output the following: SIFT: "Tolerated"; PolyPhen-2: "Benign"; Align-GVGD: "Class C0". The glycine amino acid residue is found in multiple mammalian species, which suggests that this missense change does not adversely affect protein function. In summary, the available evidence is currently insufficient to determine the role of this variant in disease. Therefore, it has been classified as a Variant of Uncertain Significance.

PreventionGenetics, part of Exact Sciences
Classification: Uncertain significance for PCARE-related condition. Last evaluated: 2024-08-16. Review status: no assertion criteria provided. Collection method: clinical testing. Allele origin: germline. Not counted in ClinVar's aggregate classification.
Comment: The PCARE c.1121C>G variant is predicted to result in the amino acid substitution p.Ala374Gly. To our knowledge, this variant has not been reported in the literature. This variant is reported in 0.0097% of alleles in individuals of Ashkenazi Jewish descent in gnomAD. At this time, the clinical significance of this variant is uncertain due to the absence of conclusive functional and genetic evidence.

NM_001029883.3(PCARE):c.1121C>G (p.Ala374Gly)

Gene: PCARE (photoreceptor cilium actin regulator; minus strand). Cytogenetic location: 2p23.2.
Variant type: single nucleotide variant.
Coding change: c.1121C>G on transcript NM_001029883.3 (MANE Select); coding-DNA position 1121, C replaced by G.
Protein change: p.Ala374Gly; replaces alanine 374 with glycine.
Molecular consequence: missense variant.
Genome position (GRCh38, 1-based): chr2:29,073,141, G>C on the plus strand (C>G on the coding strand, the complement: PCARE is on the minus strand). VCF-style: chr2-29073141-G-C. GRCh37 (hg19) VCF-style: chr2-29296007-G-C.
Other names: c.1121C>G (NM_001029883.2); short protein forms A374G.
Identifiers: ClinVar variation 1019604 (VCV001019604.10), dbSNP rs368965009, ClinGen allele CA1592495.